The following is an entry in ClinVar:

ClinVar aggregate classification (germline): Uncertain significance (1 of 4 stars; one submission).

Conditions:
Amyloidosis, hereditary systemic 1 (AMYLD1). Also called: Isolated Cardiac Amyloidosis; Amyloid Cardiomyopathy, Transthyretin-related; Familial amyloid polyneuropathy; Transthyretin Amyloidosis; AMYLOID CARDIOMYOPATHY; Hereditary Transthyretin Amyloidosis. Identifiers: Orphanet 85447, Orphanet 85451, MedGen C2751492, MONDO:0971004, OMIM 105210.

Submission:

Labcorp Genetics (formerly Invitae), Labcorp
Classification: Uncertain significance for Amyloidosis, hereditary systemic 1. Last evaluated: 2021-09-10. Review status: criteria provided, single submitter. Criteria: Invitae Variant Classification Sherloc (09022015). Collection method: clinical testing. Allele origin: germline.
Comment: In summary, the available evidence is currently insufficient to determine the role of this variant in disease. Therefore, it has been classified as a Variant of Uncertain Significance. Advanced modeling of protein sequence and biophysical properties (such as structural, functional, and spatial information, amino acid conservation, physicochemical variation, residue mobility, and thermodynamic stability) performed at Invitae indicates that this missense variant is expected to disrupt TTR protein function. This variant has not been reported in the literature in individuals affected with TTR-related conditions. This variant is not present in population databases (ExAC no frequency). This sequence change replaces lysine with glutamic acid at codon 29 of the TTR protein (p.Lys29Glu). The lysine residue is moderately conserved and there is a small physicochemical difference between lysine and glutamic acid.

NM_000371.4(TTR):c.85A>G (p.Lys29Glu)

Gene: TTR (transthyretin; plus strand). Cytogenetic location: 18q12.1.
Variant type: single nucleotide variant.
Coding change: c.85A>G on transcript NM_000371.4 (MANE Select); coding-DNA position 85, A replaced by G.
Protein change: p.Lys29Glu; replaces lysine 29 with glutamic acid.
Molecular consequence: missense variant.
Genome position (GRCh38, 1-based): chr18:31,592,911, A>G. VCF-style: chr18-31592911-A-G. GRCh37 (hg19) VCF-style: chr18-29172874-A-G.
Other names: short protein forms K29E.
Identifiers: ClinVar variation 1518527 (VCV001518527.6), dbSNP rs1323375123, ClinGen allele CA402156485.